The following is an entry in ClinVar:

NM_000052.7(ATP7A):c.4180G>T (p.Ala1394Ser)

Gene: ATP7A (ATPase copper transporting alpha; plus strand). Cytogenetic location: Xq21.1.
Variant type: single nucleotide variant.
Coding change: c.4180G>T on transcript NM_000052.7 (MANE Select); coding-DNA position 4180, G replaced by T.
Protein change: p.Ala1394Ser; replaces alanine 1394 with serine.
Molecular consequence: missense variant. On other transcripts: non-coding transcript variant (1).
Genome position (GRCh38, 1-based): chrX:78,045,526, G>T. VCF-style: chrX-78045526-G-T. GRCh37 (hg19) VCF-style: chrX-77301023-G-T.
Other names: c.3946G>T, p.Ala1316Ser (NM_001282224.2); c.4180G>T (NM_000052.4); short protein forms A1316S, A1394S.
Identifiers: ClinVar variation 1023200 (VCV001023200.8), dbSNP rs189818149, ClinGen allele CA331110109.

ClinVar aggregate classification (germline): Conflicting classifications of pathogenicity. Review status: criteria provided, conflicting classifications (1 of 4 stars). 2 submissions from 2 submitters: Uncertain significance (1); Likely benign (1). Last evaluated 2025-05-22.

Conditions:
X-linked distal spinal muscular atrophy type 3. Also called: SPINAL MUSCULAR ATROPHY, DISTAL, X-LINKED RECESSIVE; NEURONOPATHY, DISTAL HEREDITARY MOTOR, X-LINKED; NEUROPATHY, DISTAL HEREDITARY MOTOR, X-LINKED; ATP7A-Related Distal Motor Neuropathy. Identifiers: Orphanet 139557, MedGen C1845359, MONDO:0010338, OMIM 300489.
Menkes kinky-hair syndrome (MNK). Also called: Classic Menkes Disease; Menkes Disease; Copper transport disease. Identifiers: Orphanet 565, MedGen C0022716, MONDO:0010651, OMIM 309400.
Cutis laxa, X-linked (OHS). Also called: EDS IX; Occipital horn syndrome. Identifiers: Orphanet 198, MedGen C0268353, MONDO:0010572, OMIM 304150.

Allele frequency attached by ClinVar (database versions not stated): gnomAD exomes below 0.00001 and 0.00001; gnomAD 0.00001; TOPMed 0.00004; 1000 Genomes Project 30x 0.00021; 1000 Genomes Project 0.00026.
gnomAD v4.1: 4 of 1,209,987 alleles (0.00033%); highest among the groups gnomAD compares: Non-Finnish European, 0.00034%; no homozygotes.

Submissions (2):

Labcorp Genetics (formerly Invitae), Labcorp
Classification: Likely benign for X-linked distal spinal muscular atrophy type 3; Cutis laxa, X-linked; Menkes kinky-hair syndrome. Last evaluated: 2025-05-22. Review status: criteria provided, single submitter. Criteria: Invitae Variant Classification Sherloc (09022015). Collection method: clinical testing. Allele origin: germline.

GeneDx
Classification: Uncertain significance. Last evaluated: 2023-11-10. Review status: criteria provided, single submitter. Criteria: GeneDx Variant Classification Process June 2021. Collection method: clinical testing. Allele origin: germline. Affected: yes.
Comment: Has not been reported as pathogenic in association with an ATP7A-related disorder; In silico analysis supports that this missense variant has a deleterious effect on protein structure/function; Not observed at significant frequency in large population cohorts (gnomAD); This variant is associated with the following publications: (PMID: 32528851)